The following is an entry in ClinVar:

NM_001457.4(FLNB):c.*657T>C

Gene: FLNB (filamin B; plus strand). Cytogenetic location: 3p14.3.
Variant type: single nucleotide variant.
Coding change: c.*657T>C on transcript NM_001457.4 (MANE Select); 657 bases downstream of the stop codon, T replaced by C.
Molecular consequence: 3 prime UTR variant.
Genome position (GRCh38, 1-based): chr3:58,171,419, T>C. VCF-style: chr3-58171419-T-C. GRCh37 (hg19) VCF-style: chr3-58157146-T-C.
Other names: c.*657T>C (NM_001164317.2, NM_001164318.2, NM_001164319.2).
Identifiers: ClinVar variation 346379 (VCV000346379.5), dbSNP rs11412, ClinGen allele CA10619339.

ClinVar aggregate classification (germline): Benign (1 of 4 stars; one submission).

Conditions:
FLNB-Related Spectrum Disorders.

Allele frequency attached by ClinVar (database versions not stated): gnomAD 0.02134 and 0.02298; 1000 Genomes Project 0.02177; TOPMed 0.02461; 1000 Genomes Project 30x 0.02467.

Submission:

Illumina Laboratory Services, Illumina
Classification: Benign for FLNB-Related Spectrum Disorders. Last evaluated: 2018-01-13. Review status: criteria provided, single submitter. Criteria: ICSL Variant Classification Criteria 13 December 2019. Collection method: clinical testing. Allele origin: germline.
Comment: This variant was observed in the ICSL laboratory as part of a predisposition screen in an ostensibly healthy population. It had not been previously curated by ICSL or reported in the Human Gene Mutation Database (HGMD: prior to June 1st, 2018), and was therefore a candidate for classification through an automated scoring system. Utilizing variant allele frequency, disease prevalence and penetrance estimates, and inheritance mode, an automated score was calculated to assess if this variant is too frequent to cause the disease. Based on the score and internal cut-off values, a variant classified as benign is not then subjected to further curation. The score for this variant resulted in a classification of benign for this disease.